The following is an entry in ClinVar:

NM_033026.6(PCLO):c.10927T>C (p.Tyr3643His)

Gene: PCLO (piccolo presynaptic cytomatrix protein; minus strand). Cytogenetic location: 7q21.11.
Variant type: single nucleotide variant.
Coding change: c.10927T>C on transcript NM_033026.6 (MANE Select); coding-DNA position 10927, T replaced by C.
Protein change: p.Tyr3643His; replaces tyrosine 3643 with histidine.
Molecular consequence: missense variant.
Genome position (GRCh38, 1-based): chr7:82,949,661, A>G on the plus strand (T>C on the coding strand, the complement: PCLO is on the minus strand). VCF-style: chr7-82949661-A-G. GRCh37 (hg19) VCF-style: chr7-82578977-A-G.
Other names: c.10927T>C, p.Tyr3643His (NM_014510.3); c.10927T>C (NM_033026.5); short protein forms Y3643H.
Identifiers: ClinVar variation 1440022 (VCV001440022.6), dbSNP rs373751042, ClinGen allele CA4319657.

ClinVar aggregate classification (germline): Uncertain significance. Review status: criteria provided, multiple submitters, no conflicts (2 of 4 stars). 3 submissions from 3 submitters: Uncertain significance (3). Last evaluated 2026-08-11.

Conditions:
Inborn genetic diseases. Identifiers: MedGen C0950123, MeSH D030342.

Allele frequency attached by ClinVar (database versions not stated): TOPMed 0.00012; gnomAD 0.00014; ExAC 0.00007; ESP Exome Variant Server 0.00008; gnomAD exomes 0.00007 and 0.00026.
gnomAD v4.1: 410 of 1,613,700 alleles (0.025%); highest among the groups gnomAD compares: Non-Finnish European, 0.032%; no homozygotes.

Submissions (3):

Ambry Genetics
Classification: Uncertain significance for Inborn genetic diseases. Last evaluated: 2026-08-11. Review status: criteria provided, single submitter. Criteria: Ambry Variant Classification Scheme 2023. Collection method: clinical testing. Allele origin: germline.
Comment: The c.10927T>C (p.Y3643H) alteration is located in exon 6 (coding exon 6) of the PCLO gene. This alteration results from a T to C substitution at nucleotide position 10927, causing the tyrosine (Y) at amino acid position 3643 to be replaced by a histidine (H). Based on data from gnomAD, the C allele has an overall frequency of 0.008% (21/280488) total alleles studied. The highest observed frequency was 0.014% (1/7130) of Other alleles. Based on insufficient or conflicting evidence, the clinical significance of this alteration remains unclear.

GeneDx
Classification: Uncertain significance. Last evaluated: 2023-05-09. Review status: criteria provided, single submitter. Criteria: GeneDx Variant Classification Process June 2021. Collection method: clinical testing. Allele origin: germline. Affected: yes.
Comment: In silico analysis supports that this missense variant has a deleterious effect on protein structure/function; Has not been previously published as pathogenic or benign to our knowledge; Variants in candidate genes are classified as variants of uncertain significance in accordance with ACMG guidelines (Richards et al., 2015)

Labcorp Genetics (formerly Invitae), Labcorp
Classification: Uncertain significance. Last evaluated: 2022-08-22. Review status: criteria provided, single submitter. Criteria: Invitae Variant Classification Sherloc (09022015). Collection method: clinical testing. Allele origin: germline.
Comment: This sequence change replaces tyrosine, which is neutral and polar, with histidine, which is basic and polar, at codon 3643 of the PCLO protein (p.Tyr3643His). This variant is present in population databases (rs373751042, gnomAD 0.01%). This variant has not been reported in the literature in individuals affected with PCLO-related conditions. ClinVar contains an entry for this variant (Variation ID: 1440022). Algorithms developed to predict the effect of missense changes on protein structure and function are either unavailable or do not agree on the potential impact of this missense change (SIFT: "Deleterious"; PolyPhen-2: "Not Available"; Align-GVGD: "Class C0"). In summary, the available evidence is currently insufficient to determine the role of this variant in disease. Therefore, it has been classified as a Variant of Uncertain Significance.